The following is an entry in ClinVar:

NM_000179.3(MSH6):c.4063_4066dup (p.Leu1356fs)

Gene: MSH6 (mutS homolog 6; plus strand). Cytogenetic location: 2p16.3.
Variant type: Duplication.
Coding change: c.4063_4066dup on transcript NM_000179.3 (MANE Select); coding-DNA positions 4063 to 4066, 4 bases duplicated (ACTT; older notation c.4063_4066dupACTT).
Protein change: p.Leu1356fs; shifts the reading frame from leucine 1356.
Molecular consequence: frameshift variant. On other transcripts: 3 prime UTR variant (5), non-coding transcript variant (5).
Genome position (GRCh38, 1-based): chr2:47,806,840-47,806,843, ACTT duplicated. VCF-style (leftmost placement, unchanged base first): chr2-47806839-G-GACTT. GRCh37 (hg19) VCF-style: chr2-48033978-G-GACTT.
Other names: c.3673_3676dup, p.Leu1226fs (NM_001281492.2); c.3157_3160dup, p.Leu1054fs (NM_001281493.2, NM_001281494.2, NM_001406811.1 and 6 more transcripts); c.4159_4162dup, p.Leu1388fs (NM_001406795.1); c.4063_4066dup, p.Leu1356fs (NM_001406796.1, NM_001406809.1); c.3766_3769dup, p.Leu1257fs (NM_001406797.1, NM_001406805.1, NM_001406818.1 and 8 more transcripts); c.3889_3892dup, p.Leu1298fs (NM_001406798.1); c.3538_3541dup, p.Leu1181fs (NM_001406799.1, NM_001406806.1, NM_001406807.1); c.*84_*87dup (NM_001406800.1); and 10 more; short protein forms L1054fs, L1068fs, L1181fs, L1226fs, L1257fs, L1298fs, L1300fs, L1330fs.
Identifiers: ClinVar variation 3230579 (VCV003230579.1), dbSNP rs2530897743, ClinGen allele CA2825001146.

ClinVar aggregate classification (germline): Uncertain significance (1 of 4 stars; one submission).

Conditions:
Hereditary cancer-predisposing syndrome. Also called: Neoplastic Syndromes, Hereditary; Tumor predisposition; Hereditary neoplastic syndrome; Hereditary Cancer Syndrome. Identifiers: Orphanet 140162, MedGen C0027672, MeSH D009386, MONDO:0015356.

Submission:

Ambry Genetics
Classification: Uncertain significance for Hereditary cancer-predisposing syndrome. Last evaluated: 2023-12-28. Review status: criteria provided, single submitter. Criteria: Ambry Variant Classification Scheme 2023. Collection method: clinical testing. Allele origin: germline.
Comment: The c.4063_4066dupACTT variant, located in coding exon 10 of the MSH6 gene, results from a duplication of ACTT at nucleotide position 4063, causing a translational frameshift with a predicted alternate stop codon (p.L1356Yfs*4). This alteration occurs at the 3' terminus of MSH6 gene, is not expected to trigger nonsense-mediated mRNAdecay, and only impacts the last six amino acids of the protein. The exact functional effect of this alteration is unknown. Since supporting evidence is limited at this time, the clinical significance of this alteration remains unclear.